The following is an entry in ClinVar:

NM_003743.5(NCOA1):c.3066T>C (p.Pro1022=)

Gene: NCOA1 (nuclear receptor coactivator 1; plus strand). Cytogenetic location: 2p23.3.
Variant type: single nucleotide variant.
Coding change: c.3066T>C on transcript NM_003743.5 (MANE Select); coding-DNA position 3066, T replaced by C.
Protein change: p.Pro1022=; no amino-acid change (proline 1022 retained).
Molecular consequence: synonymous variant.
Genome position (GRCh38, 1-based): chr2:24,729,680, T>C. VCF-style: chr2-24729680-T-C. GRCh37 (hg19) VCF-style: chr2-24952549-T-C.
Other names: c.3066T>C, p.Pro1022= (NM_001362950.1, NM_001362952.1, NM_001362954.1 and 3 more transcripts).
Identifiers: ClinVar variation 4988630 (VCV004988630.1).
Genomic context (GRCh38, chr2:24,729,680, plus strand): 5'-CAATCTCCCTAGCCCTTTCCAAGGCATGGTCAGGCAAAAACCTTCACTGGGGACGATGCC[T>C]GTTCAAGTAACACCTCCCCGAGGTGCTTTTTCACCTGGCATGGGCATGCAGCCCAGGCAA-3'
Protein context (NP_003734.3, residues 1012-1032): VRQKPSLGTM[Pro1022=]VQVTPPRGAF

ClinVar aggregate classification (germline): Likely benign (1 of 4 stars; one submission).

Conditions:
NCOA1-related disorder. Also called: NCOA1-related condition.

Submission:

PreventionGenetics, part of Exact Sciences
Classification: Likely benign for NCOA1-related condition. Last evaluated: 2026-01-13. Review status: criteria provided, single submitter. Criteria: ACMG Guidelines, 2015. Collection method: clinical testing. Allele origin: germline.
Comment: This variant is classified as likely benign based on ACMG/AMP sequence variant interpretation guidelines (Richards et al. 2015 PMID: 25741868, with internal and published modifications).